The following is an entry in ClinVar:

ClinVar aggregate classification (germline): Uncertain significance (1 of 4 stars; one submission).

Submission:

Dasa
Classification: Uncertain significance. Last evaluated: 2026-03-21. Review status: criteria provided, single submitter. Criteria: DASA Assertion Criteria. Collection method: clinical testing. Allele origin: germline.
Comment: NM_001363540.2(DOCK4):c.4249T>A (p.Tyr1417Asn) is a missense variant that results in the substitution of tyrosine with asparagine. Published studies describe this variant in association with related phenotype (PMID: 38526744). Also, this variant is absent from population databases. Computational prediction algorithms are consistent with a deleterious effect. The currently available literature and clinical evidence are not sufficient to establish a definitive association between this variant and the reported condition. Therefore, this variant is classified as a variant of uncertain significance.

Literature cited by the submitters: PubMed 38526744.

NM_001363540.2(DOCK4):c.4249T>A (p.Tyr1417Asn)

Genes: DOCK4 (dedicator of cytokinesis 4; minus strand), LOC126860152 (BRD4-independent group 4 enhancer GRCh37_chr7:111397974-111399173; plus strand). Cytogenetic location: 7q31.1.
Variant type: single nucleotide variant.
Coding change: c.4249T>A on transcript NM_001363540.2 (MANE Select); coding-DNA position 4249, T replaced by A.
Protein change: p.Tyr1417Asn; replaces tyrosine 1417 with asparagine.
Molecular consequence: missense variant.
Genome position (GRCh38, 1-based): chr7:111,758,704, A>T on the plus strand (T>A on the coding strand, the complement: DOCK4 is on the minus strand). VCF-style: chr7-111758704-A-T. GRCh37 (hg19) VCF-style: chr7-111398760-A-T.
Other names: c.4222T>A, p.Tyr1408Asn (NM_014705.4); short protein forms Y1408N, Y1417N.
Identifiers: ClinVar variation 4885037 (VCV004885037.2).